The following is an entry in ClinVar:

ClinVar aggregate classification (germline): Uncertain significance (1 of 4 stars; one submission).

Allele frequency attached by ClinVar (database versions not stated): gnomAD exomes below 0.00001; ExAC 0.00001.
gnomAD v4.1: 3 of 1,607,958 alleles (0.00019%); highest among the groups gnomAD compares: South Asian, 0.0033%; no homozygotes.

Submission:

Labcorp Genetics (formerly Invitae), Labcorp
Classification: Uncertain significance. Last evaluated: 2022-06-12. Review status: criteria provided, single submitter. Criteria: Invitae Variant Classification Sherloc (09022015). Collection method: clinical testing. Allele origin: germline.
Comment: In summary, the available evidence is currently insufficient to determine the role of this variant in disease. Therefore, it has been classified as a Variant of Uncertain Significance. Algorithms developed to predict the effect of missense changes on protein structure and function are either unavailable or do not agree on the potential impact of this missense change (SIFT: "Deleterious"; PolyPhen-2: "Probably Damaging"; Align-GVGD: "Class C0"). This variant has not been reported in the literature in individuals affected with WHRN-related conditions. The frequency data for this variant in the population databases is considered unreliable, as metrics indicate poor data quality at this position in the gnomAD database. This sequence change replaces glutamic acid, which is acidic and polar, with lysine, which is basic and polar, at codon 112 of the WHRN protein (p.Glu112Lys).

NM_015404.4(WHRN):c.334G>A (p.Glu112Lys)

Gene: WHRN (whirlin; minus strand). Cytogenetic location: 9q32.
Variant type: single nucleotide variant.
Coding change: c.334G>A on transcript NM_015404.4 (MANE Select); coding-DNA position 334, G replaced by A.
Protein change: p.Glu112Lys; replaces glutamic acid 112 with lysine.
Molecular consequence: missense variant.
Genome position (GRCh38, 1-based): chr9:114,504,468, C>T on the plus strand (G>A on the coding strand, the complement: WHRN is on the minus strand). VCF-style: chr9-114504468-C-T. GRCh37 (hg19) VCF-style: chr9-117266748-C-T.
Other names: c.334G>A, p.Glu112Lys (NM_001173425.2); short protein forms E112K.
Identifiers: ClinVar variation 1968382 (VCV001968382.5), dbSNP rs765132708, ClinGen allele CA5206315.